The following is an entry in ClinVar:

ClinVar aggregate classification (germline): Uncertain significance. Review status: criteria provided, multiple submitters, no conflicts (2 of 4 stars). 2 submissions from 2 submitters: Uncertain significance (2). Last evaluated 2025-05-18.

Conditions:
Cardiovascular phenotype. Identifiers: MedGen CN230736.
Dilated cardiomyopathy 1J (CMD1J). Also called: CARDIOMYOPATHY, DILATED, WITH SENSORINEURAL HEARING LOSS, AUTOSOMAL DOMINANT. Identifiers: Orphanet 217622, MedGen C1854368, MONDO:0011541, OMIM 605362.

Allele frequency attached by ClinVar (database versions not stated): TOPMed below 0.00001.

Submissions (2):

Labcorp Genetics (formerly Invitae), Labcorp
Classification: Uncertain significance for Dilated cardiomyopathy 1J. Last evaluated: 2025-05-18. Review status: criteria provided, single submitter. Criteria: Invitae Variant Classification Sherloc (09022015). Collection method: clinical testing. Allele origin: germline.
Comment: This sequence change replaces glycine, which is neutral and non-polar, with aspartic acid, which is acidic and polar, at codon 277 of the EYA4 protein (p.Gly277Asp). This variant is present in population databases (no rsID available, gnomAD 0.007%). This variant has not been reported in the literature in individuals affected with EYA4-related conditions. ClinVar contains an entry for this variant (Variation ID: 1762874). Invitae Evidence Modeling of protein sequence and biophysical properties (such as structural, functional, and spatial information, amino acid conservation, physicochemical variation, residue mobility, and thermodynamic stability) indicates that this missense variant is not expected to disrupt EYA4 protein function with a negative predictive value of 80%. In summary, the available evidence is currently insufficient to determine the role of this variant in disease. Therefore, it has been classified as a Variant of Uncertain Significance.

Ambry Genetics
Classification: Uncertain significance for Cardiovascular phenotype. Last evaluated: 2020-01-17. Review status: criteria provided, single submitter. Criteria: Ambry Variant Classification Scheme 2023. Collection method: clinical testing. Allele origin: germline.
Comment: The p.G277D variant (also known as c.830G>A), located in coding exon 10 of the EYA4 gene, results from a G to A substitution at nucleotide position 830. The glycine at codon 277 is replaced by aspartic acid, an amino acid with similar properties. This amino acid position is highly conserved in available vertebrate species. In addition, this alteration is predicted to be deleterious by in silico analysis. Since supporting evidence is limited at this time, the clinical significance of this alteration remains unclear.

NM_004100.5(EYA4):c.830G>A (p.Gly277Asp)

Gene: EYA4 (EYA transcriptional coactivator and phosphatase 4; plus strand). Cytogenetic location: 6q23.2.
Variant type: single nucleotide variant.
Coding change: c.830G>A on transcript NM_004100.5 (MANE Select); coding-DNA position 830, G replaced by A.
Protein change: p.Gly277Asp; replaces glycine 277 with aspartic acid.
Molecular consequence: missense variant.
Genome position (GRCh38, 1-based): chr6:133,468,591, G>A. VCF-style: chr6-133468591-G-A. GRCh37 (hg19) VCF-style: chr6-133789729-G-A.
Other names: c.668G>A, p.Gly223Asp (NM_001301012.2, NM_001370459.1); c.830G>A, p.Gly277Asp (NM_001301013.2, NM_172105.4); c.761G>A, p.Gly254Asp (NM_001370458.1, NM_172103.4); short protein forms G223D, G254D, G277D.
Identifiers: ClinVar variation 1762874 (VCV001762874.3), dbSNP rs1354173304, ClinGen allele CA365703342.